The following is an entry in ClinVar:

NM_000038.6(APC):c.2329G>C (p.Asp777His)

Gene: APC (APC regulator of Wnt signaling pathway; plus strand). Cytogenetic location: 5q22.2.
Variant type: single nucleotide variant.
Coding change: c.2329G>C on transcript NM_000038.6 (MANE Select); coding-DNA position 2329, G replaced by C.
Protein change: p.Asp777His; replaces aspartic acid 777 with histidine.
Molecular consequence: missense variant. On other transcripts: non-coding transcript variant (2).
Genome position (GRCh38, 1-based): chr5:112,837,923, G>C. VCF-style: chr5-112837923-G-C. GRCh37 (hg19) VCF-style: chr5-112173620-G-C.
Other names: c.2329G>C, p.Asp777His (NM_001127510.3, NM_001354895.2, NM_001407450.1); c.2275G>C, p.Asp759His (NM_001127511.3); c.2383G>C, p.Asp795His (NM_001354896.2, NM_001407447.1, NM_001407448.1 and 1 more transcripts); c.2359G>C, p.Asp787His (NM_001354897.2); c.2254G>C, p.Asp752His (NM_001354898.2); c.2245G>C, p.Asp749His (NM_001354899.2); c.2206G>C, p.Asp736His (NM_001354900.2); c.2152G>C, p.Asp718His (NM_001354901.2, NM_001407453.1); and 11 more; short protein forms D393H, D494H, D617H, D648H, D651H, D676H, D686H, D694H.
Identifiers: ClinVar variation 4975421 (VCV004975421.1).
Genomic context (GRCh38, chr5:112,837,923, plus strand): 5'-CAAAAAGCCCTAGAAGCAGAATTAGATGCTCAGCACTTATCAGAAACTTTTGACAATATA[G>C]ACAATTTAAGTCCCAAGGCATCTCATCGTAGTAAGCAGAGACACAAGCAAAGTCTCTATG-3'
Protein context (NP_000029.2, residues 767-787): QHLSETFDNI[Asp777His]NLSPKASHRS

ClinVar aggregate classification (germline): Uncertain significance (1 of 4 stars; one submission).

gnomAD v4.1: 1 of 1,614,036 alleles (0.000062%); highest among the groups gnomAD compares: South Asian, 0.0011%; no homozygotes.

Submission:

GeneDx
Classification: Uncertain significance. Last evaluated: 2026-01-22. Review status: criteria provided, single submitter. Criteria: GeneDx Variant Classification Process June 2021. Collection method: clinical testing. Allele origin: germline.
Comment: Not observed at significant frequency in large population cohorts (gnomAD); In silico analysis supports that this missense variant has a deleterious effect on protein structure/function; Has not been previously published as pathogenic or benign to our knowledge